The following is an entry in ClinVar:

ClinVar aggregate classification (germline): Uncertain significance (0 of 4 stars; one submission).

Conditions:
TTN-related disorder. Also called: TTN-related condition; TTN-related disease; TTN-related disorders.

gnomAD v4.1: 1 of 1,613,072 alleles (0.000062%); highest among the groups gnomAD compares: African/African-American, 0.0013%; no homozygotes.

Submission:

PreventionGenetics, part of Exact Sciences
Classification: Uncertain significance for TTN-related condition. Last evaluated: 2024-06-07. Review status: no assertion criteria provided. Collection method: clinical testing. Allele origin: germline.
Comment: The TTN c.53259A>T variant is predicted to result in the amino acid substitution p.Lys17753Asn. To our knowledge, this variant has not been reported in the literature. This variant is reported in 0.023% of alleles in individuals of African descent in gnomAD. At this time, the clinical significance of this variant is uncertain due to the absence of conclusive functional and genetic evidence.

NM_001267550.2(TTN):c.53259A>T (p.Lys17753Asn)

Genes: TTN (titin; minus strand), TTN-AS1 (TTN antisense RNA 1; plus strand), LOC126806425 (BRD4-independent group 4 enhancer GRCh37_chr2:179471933-179473132; plus strand). Cytogenetic location: 2q31.2.
Variant type: single nucleotide variant.
Coding change: c.53259A>T on transcript NM_001267550.2 (MANE Select); coding-DNA position 53259, A replaced by T.
Protein change: p.Lys17753Asn; replaces lysine 17753 with asparagine.
Molecular consequence: missense variant.
Genome position (GRCh38, 1-based): chr2:178,607,429, T>A on the plus strand (A>T on the coding strand, the complement: TTN is on the minus strand). VCF-style: chr2-178607429-T-A. GRCh37 (hg19) VCF-style: chr2-179472156-T-A.
Other names: c.48336A>T, p.Lys16112Asn (NM_001256850.1); c.26064A>T, p.Lys8688Asn (NM_003319.4); c.45555A>T, p.Lys15185Asn (NM_133378.4); c.26439A>T, p.Lys8813Asn (NM_133432.3); c.26640A>T, p.Lys8880Asn (NM_133437.4); short protein forms K15185N, K16112N, K17753N, K8688N, K8813N, K8880N.
Identifiers: ClinVar variation 3358177 (VCV003358177.1).